The following is an entry in ClinVar:

NM_020937.4(FANCM):c.4567G>A (p.Ala1523Thr)

Gene: FANCM (FA complementation group M; plus strand). Cytogenetic location: 14q21.2.
Variant type: single nucleotide variant.
Coding change: c.4567G>A on transcript NM_020937.4 (MANE Select); coding-DNA position 4567, G replaced by A.
Protein change: p.Ala1523Thr; replaces alanine 1523 with threonine.
Molecular consequence: missense variant.
Genome position (GRCh38, 1-based): chr14:45,185,268, G>A. VCF-style: chr14-45185268-G-A. GRCh37 (hg19) VCF-style: chr14-45654471-G-A.
Other names: c.4489G>A, p.Ala1497Thr (NM_001308133.2); c.4567G>A (NM_020937.3); short protein forms A1497T, A1523T.
Identifiers: ClinVar variation 1809991 (VCV001809991.2), dbSNP rs1373303728, ClinGen allele CA389608178.

ClinVar aggregate classification (germline): Uncertain significance. Review status: criteria provided, multiple submitters, no conflicts (2 of 4 stars). 2 submissions from 2 submitters: Uncertain significance (2). Last evaluated 2024-11-27.

Allele frequency attached by ClinVar (database versions not stated): gnomAD 0.00001.
gnomAD v4.1: 5 of 1,603,894 alleles (0.00031%); highest among the groups gnomAD compares: Admixed American, 0.0033%; no homozygotes.

Submissions (2):

Quest Diagnostics Nichols Institute San Juan Capistrano
Classification: Uncertain significance. Last evaluated: 2024-11-27. Review status: criteria provided, single submitter. Criteria: Quest Diagnostics criteria. Collection method: clinical testing. Allele origin: unknown.
Comment: The FANCM c.4567G>A (p.Ala1523Thr) variant has been observed in the published literature in a reportedly healthy individual (PMID: 33471991 (2021)).The frequency of this variant in the general population, 0.0000066 (1/152150 chromosomes (Genome Aggregation Database)), is uninformative in the assessment of its pathogenicity. Analysis of this variant using bioinformatics tools for the prediction of the effect of amino acid changes on protein structure and function yielded conflicting predictions that this variant is benign or damaging. Based on the available information, we are unable to determine the clinical significance of this variant.

GeneDx
Classification: Uncertain significance. Last evaluated: 2022-06-29. Review status: criteria provided, single submitter. Criteria: GeneDx Variant Classification Process June 2021. Collection method: clinical testing. Allele origin: germline. Affected: yes.
Comment: Not observed at significant frequency in large population cohorts (gnomAD); In silico analysis supports that this missense variant does not alter protein structure/function; Has not been previously published as pathogenic or benign to our knowledge

Literature cited by the submitters: PubMed 33471991 (cited by Quest Diagnostics Nichols Institute San Juan Capistrano).